The following is an entry in ClinVar:

ClinVar aggregate classification (germline): Uncertain significance (1 of 4 stars; one submission).

Conditions:
Immunodeficiency, common variable, 7. Identifiers: Orphanet 1572, Orphanet 696894, MedGen C3542922, MONDO:0013862, OMIM 614699.

Allele frequency attached by ClinVar (database versions not stated): gnomAD 0.00001; ExAC 0.00002; TOPMed 0.00001; ESP Exome Variant Server 0.00008.
gnomAD v4.1: 10 of 1,613,830 alleles (0.00062%); highest among the groups gnomAD compares: African/African-American, 0.0067%; no homozygotes.

Submission:

Labcorp Genetics (formerly Invitae), Labcorp
Classification: Uncertain significance for Immunodeficiency, common variable, 7. Last evaluated: 2018-07-30. Review status: criteria provided, single submitter. Criteria: Invitae Variant Classification Sherloc (09022015). Collection method: clinical testing. Allele origin: germline.
Comment: This sequence change replaces arginine with histidine at codon 341 of the CR2 protein (p.Arg341His). The arginine residue is moderately conserved and there is a small physicochemical difference between arginine and histidine. This variant is present in population databases (rs142742821, ExAC 0.01%). This variant has not been reported in the literature in individuals with CR2-related disease. Algorithms developed to predict the effect of missense changes on protein structure and function output the following: SIFT: "Tolerated"; PolyPhen-2: "Benign"; Align-GVGD: "Class C0". The histidine amino acid residue is found in multiple mammalian species, suggesting that this missense change does not adversely affect protein function. These predictions have not been confirmed by published functional studies and their clinical significance is uncertain. In summary, the available evidence is currently insufficient to determine the role of this variant in disease. Therefore, it has been classified as a Variant of Uncertain Significance.

NM_001006658.3(CR2):c.1022G>A (p.Arg341His)

Genes: CR2 (complement C3d receptor 2; plus strand), LOC126805994 (BRD4-independent group 4 enhancer GRCh37_chr1:207642622-207643821; plus strand). Cytogenetic location: 1q32.2.
Variant type: single nucleotide variant.
Coding change: c.1022G>A on transcript NM_001006658.3 (MANE Select); coding-DNA position 1022, G replaced by A.
Protein change: p.Arg341His; replaces arginine 341 with histidine.
Molecular consequence: missense variant.
Genome position (GRCh38, 1-based): chr1:207,469,899, G>A. VCF-style: chr1-207469899-G-A. GRCh37 (hg19) VCF-style: chr1-207643244-G-A.
Other names: c.1022G>A, p.Arg341His (NM_001877.5); short protein forms R341H.
Identifiers: ClinVar variation 654371 (VCV000654371.7), dbSNP rs142742821, ClinGen allele CA1368609.